The following is an entry in ClinVar:

ClinVar aggregate classification (germline): Benign (1 of 4 stars; one submission).

Conditions:
Autoimmune lymphoproliferative syndrome type 1. Also called: AUTOIMMUNE LYMPHOPROLIFERATIVE SYNDROME, TYPE I, AUTOSOMAL DOMINANT. Identifiers: Orphanet 3261, MedGen C2717884, MONDO:0011158, OMIM 601859.

Allele frequency attached by ClinVar (database versions not stated): gnomAD 0.00012 and 0.00010; TOPMed 0.00012; gnomAD exomes 0.00023 and 0.00031; ExAC 0.00074.
gnomAD v4.1: 111 of 534,580 alleles (0.021%); highest among the groups gnomAD compares: Non-Finnish European, 0.004%; 1 homozygote.

Submission:

Illumina Laboratory Services, Illumina
Classification: Benign for Autoimmune lymphoproliferative syndrome type 1. Last evaluated: 2018-01-13. Review status: criteria provided, single submitter. Criteria: ICSL Variant Classification Criteria 13 December 2019. Collection method: clinical testing. Allele origin: germline.
Comment: This variant was observed in the ICSL laboratory as part of a predisposition screen in an ostensibly healthy population. It had not been previously curated by ICSL or reported in the Human Gene Mutation Database (HGMD: prior to June 1st, 2018), and was therefore a candidate for classification through an automated scoring system. Utilizing variant allele frequency, disease prevalence and penetrance estimates, and inheritance mode, an automated score was calculated to assess if this variant is too frequent to cause the disease. Based on the score and internal cut-off values, a variant classified as benign is not then subjected to further curation. The score for this variant resulted in a classification of benign for this disease.

NM_000043.6(FAS):c.*853C>T

Gene: FAS (Fas cell surface death receptor; plus strand). Cytogenetic location: 10q23.31.
Variant type: single nucleotide variant.
Coding change: c.*853C>T on transcript NM_000043.6 (MANE Select); 853 bases downstream of the stop codon, C replaced by T.
Molecular consequence: 3 prime UTR variant. On other transcripts: non-coding transcript variant (7).
Genome position (GRCh38, 1-based): chr10:89,015,303, C>T. VCF-style: chr10-89015303-C-T. GRCh37 (hg19) VCF-style: chr10-90775060-C-T.
Other names: c.*1184C>T (NM_001320619.2); c.*853C>T (NM_152871.4); c.*1173C>T (NM_152872.4).
Identifiers: ClinVar variation 301542 (VCV000301542.5), dbSNP rs770098016, ClinGen allele CA5593284.